The following is an entry in ClinVar:

NM_000038.6(APC):c.7537C>T (p.Pro2513Ser)

Gene: APC (APC regulator of Wnt signaling pathway; plus strand). Cytogenetic location: 5q22.2.
Variant type: single nucleotide variant.
Coding change: c.7537C>T on transcript NM_000038.6 (MANE Select); coding-DNA position 7537, C replaced by T.
Protein change: p.Pro2513Ser; replaces proline 2513 with serine.
Molecular consequence: missense variant. On other transcripts: non-coding transcript variant (2).
Genome position (GRCh38, 1-based): chr5:112,843,131, C>T. VCF-style: chr5-112843131-C-T. GRCh37 (hg19) VCF-style: chr5-112178828-C-T.
Other names: c.7537C>T, p.Pro2513Ser (NM_001127510.3, NM_001354895.2, NM_001407450.1); c.7483C>T, p.Pro2495Ser (NM_001127511.3); c.7591C>T, p.Pro2531Ser (NM_001354896.2, NM_001407447.1, NM_001407448.1 and 1 more transcripts); c.7567C>T, p.Pro2523Ser (NM_001354897.2); c.7462C>T, p.Pro2488Ser (NM_001354898.2); c.7453C>T, p.Pro2485Ser (NM_001354899.2); c.7414C>T, p.Pro2472Ser (NM_001354900.2); c.7360C>T, p.Pro2454Ser (NM_001354901.2, NM_001407453.1); and 11 more; short protein forms P2129S, P2353S, P2422S, P2472S, P2523S, P2230S, P2430S, P2454S.
Identifiers: ClinVar variation 4778720 (VCV004778720.1).
Genomic context (GRCh38, chr5:112,843,131, plus strand): 5'-CTATCCACACATTCGTCTGTTCAGGCTGGTGGATGGCGAAAACTCCCACCTAATCTCAGT[C>T]CCACTATAGAGTATAATGATGGAAGACCAGCAAAGCGCCATGATATTGCACGGTCTCATT-3'
Protein context (NP_000029.2, residues 2503-2523): GWRKLPPNLS[Pro2513Ser]TIEYNDGRPA

ClinVar aggregate classification (germline): Uncertain significance (1 of 4 stars; one submission).

Conditions:
Familial adenomatous polyposis 1 (FAP1). Also called: FAMILIAL ADENOMATOUS POLYPOSIS 1, ATTENUATED; POLYPOSIS, ADENOMATOUS INTESTINAL. Identifiers: MedGen C2713442, MONDO:0021056, OMIM 175100. Disease mechanism: loss of function.

gnomAD v4.1: 2 of 1,613,926 alleles (0.00012%); highest among the groups gnomAD compares: Non-Finnish European, 0.00017%; no homozygotes.

Submission:

Labcorp Genetics (formerly Invitae), Labcorp
Classification: Uncertain significance for Familial adenomatous polyposis 1. Last evaluated: 2025-12-31. Review status: criteria provided, single submitter. Criteria: Invitae Variant Classification Sherloc (09022015). Collection method: clinical testing. Allele origin: germline.
Comment: This sequence change replaces proline, which is neutral and non-polar, with serine, which is neutral and polar, at codon 2513 of the APC protein (p.Pro2513Ser). This variant is not present in population databases (gnomAD no frequency). This variant has not been reported in the literature in individuals affected with APC-related conditions. Invitae Evidence Modeling of protein sequence and biophysical properties (such as structural, functional, and spatial information, amino acid conservation, physicochemical variation, residue mobility, and thermodynamic stability) indicates that this missense variant is not expected to disrupt APC protein function with a negative predictive value of 95%. In summary, the available evidence is currently insufficient to determine the role of this variant in disease. Therefore, it has been classified as a Variant of Uncertain Significance.